The following is an entry in ClinVar:

NM_001943.5(DSG2):c.15G>C (p.Pro5=)

Genes: DSG2 (desmoglein 2; plus strand), LOC130062340 (ATAC-STARR-seq lymphoblastoid silent region 9384; plus strand). Cytogenetic location: 18q12.1.
Variant type: single nucleotide variant.
Coding change: c.15G>C on transcript NM_001943.5 (MANE Select); coding-DNA position 15, G replaced by C.
Protein change: p.Pro5=; no amino-acid change (proline 5 retained).
Molecular consequence: synonymous variant.
Genome position (GRCh38, 1-based): chr18:31,498,266, G>C. VCF-style: chr18-31498266-G-C. GRCh37 (hg19) VCF-style: chr18-29078229-G-C.
Other names: c.15G>C (LRG_397t1).
Identifiers: ClinVar variation 326470 (VCV000326470.51), dbSNP rs772663614, ClinGen allele CA042961.

ClinVar aggregate classification (germline): Benign/Likely benign. Review status: criteria provided, multiple submitters, no conflicts (2 of 4 stars). 8 submissions from 8 submitters: Benign (1); Likely benign (6). 1 of the submissions does not count toward it. Last evaluated 2026-01-26.

Conditions:
DSG2-related disorder. Also called: DSG2-related condition.
Arrhythmogenic right ventricular cardiomyopathy (ARVD). Also called: Arrhythmogenic Right Ventricular Cardiomyopathy (ARVC); Arrhythmogenic cardiomyopathy; Cardiomyopathy, ARVC; Arrhythmogenic right ventricular dysplasia. Identifiers: Orphanet 247, MedGen C0349788, MeSH D019571, MONDO:0016587. Disease mechanism: loss of function. Inheritance: Various modes of inheritance.
Cardiovascular phenotype. Identifiers: MedGen CN230736.
Cardiomyopathy (CMYO). Also called: Cardiomyopathies. Identifiers: Orphanet 167848, MedGen C0878544, MONDO:0004994, HP:0001638. Inheritance: Various modes of inheritance.
Arrhythmogenic right ventricular dysplasia 10. Also called: Arrhythmogenic Right Ventricular Dysplasia/Cardiomyopathy10; Arrhythmogenic right ventricular dysplasia/cardiomyopathy, type 10; ARRHYTHMOGENIC RIGHT VENTRICULAR DYSPLASIA, FAMILIAL, 10. Identifiers: MedGen C1857777, MONDO:0012434, OMIM 610193.

Allele frequency attached by ClinVar (database versions not stated): gnomAD 0.00006; gnomAD exomes 0.00006 and 0.00009; TOPMed 0.00007; ExAC 0.00062.
gnomAD v4.1: 123 of 1,262,756 alleles (0.0097%); highest among the groups gnomAD compares: Middle Eastern, 0.068%; no homozygotes.

Submissions (8):

Labcorp Genetics (formerly Invitae), Labcorp
Classification: Likely benign for Arrhythmogenic right ventricular dysplasia 10. Last evaluated: 2026-01-26. Review status: criteria provided, single submitter. Criteria: Invitae Variant Classification Sherloc (09022015). Collection method: clinical testing. Allele origin: germline.

Molecular Diagnostic Laboratory for Inherited Cardiovascular Disease, Montreal Heart Institute
Classification: Likely benign. Last evaluated: 2025-04-09. Review status: criteria provided, single submitter. Criteria: ACMG Guidelines, 2015. Collection method: clinical testing. Allele origin: germline. Affected: no.

All of Us Research Program, National Institutes of Health
Classification: Likely benign for Arrhythmogenic right ventricular cardiomyopathy. Last evaluated: 2024-01-11. Review status: criteria provided, single submitter. Criteria: ACMG Guidelines, 2015. Collection method: clinical testing. Allele origin: germline. Inheritance: Autosomal dominant inheritance. Observed: 30 variant alleles, 30 heterozygotes.
Comment: This study involves interpretation of variants in research participants for the purpose of population health screening. Participant phenotype was not available at the time of variant classification. Additional details can be found in publication PMID: 35346344, PMCID: PMC8962531

CeGaT Center for Human Genetics Tuebingen
Classification: Likely benign. Last evaluated: 2023-08-01. Review status: criteria provided, single submitter. Criteria: CeGaT Center For Human Genetics Tuebingen Variant Classification Criteria Version 2. Collection method: clinical testing. Allele origin: germline. Affected: yes. Observed: 1 variant allele.
Comment: DSG2: BP4, BP7

Color Diagnostics, LLC DBA Color Health
Classification: Likely benign for Cardiomyopathy. Last evaluated: 2018-11-18. Review status: criteria provided, single submitter. Criteria: ACMG Guidelines, 2015. Collection method: clinical testing. Allele origin: germline.

Ambry Genetics
Classification: Likely benign for Cardiovascular phenotype. Last evaluated: 2017-11-24. Review status: criteria provided, single submitter. Criteria: Ambry Variant Classification Scheme 2023. Collection method: clinical testing. Allele origin: germline.

GeneDx
Classification: Benign. Last evaluated: 2015-03-03. Review status: criteria provided, single submitter. Criteria: GeneDx Variant Classification Process June 2021. Collection method: clinical testing. Allele origin: germline. Affected: yes.

PreventionGenetics, part of Exact Sciences
Classification: Likely benign for DSG2-related condition. Last evaluated: 2019-02-22. Review status: no assertion criteria provided. Collection method: clinical testing. Allele origin: germline. Not counted in ClinVar's aggregate classification.
Comment: This variant is classified as likely benign based on ACMG/AMP sequence variant interpretation guidelines (Richards et al. 2015 PMID: 25741868, with internal and published modifications).